The following is an entry in ClinVar:

NM_001371986.1(UNC80):c.9741GGA[2] (p.Glu3249del)

Gene: UNC80 (unc-80 subunit of NALCN channel complex; plus strand). Cytogenetic location: 2q34.
Variant type: Microsatellite.
Coding change: c.9741GGA[2] on transcript NM_001371986.1 (MANE Select); two copies in a row of the 3-base unit GGA starting at c.9741; the reference has three copies in a row; one copy, 3 bases deleted.
Protein change: p.Glu3249del; deletes glutamic acid 3249.
Genome position (GRCh38, 1-based): chr2:209,995,367-209,995,369, GGA deleted; deleting any 3 consecutive bases within chr2:209,995,360-209,995,369 gives the same sequence; the position shown is the placement nearest the transcript's 3' end. VCF-style (leftmost placement, unchanged base first): chr2-209995359-AAGG-A. GRCh37 (hg19) VCF-style: chr2-210860083-AAGG-A.
Other names: c.9543GGA[2], p.Glu3183del (NM_032504.2); c.9471GGA[2], p.Glu3159del (NM_182587.4); short protein forms E3159del, E3183del, E3249del.
Identifiers: ClinVar variation 3977823 (VCV003977823.1).
Genomic context (GRCh38, chr2:209,995,359, plus strand): 5'-TCCATAATGTTATGATCCTTTTGATCACAGAGTGAGAACTTCCCCACTGAAGAAGGAGAA[AAGG>A]AGGAGGACACAGAAGCACAAGGTGCTACTGCACACAGTCCACTCTCTGCCCAACTCTCTG-3'

ClinVar aggregate classification (germline): Uncertain significance (1 of 4 stars; one submission).

Conditions:
Inborn genetic diseases. Identifiers: MedGen C0950123, MeSH D030342.

Submission:

Ambry Genetics
Classification: Uncertain significance for Inborn genetic diseases. Last evaluated: 2025-05-07. Review status: criteria provided, single submitter. Criteria: Ambry Variant Classification Scheme 2023. Collection method: clinical testing. Allele origin: germline.
Comment: The c.9549_9551delGGA (p.E3183del) alteration, located in coding exon 64 of the UNC80 gene, results from an in-frame deletion of 3 nucleotides at positions 9549 to 9551. This results in the deletion of a glutamic acid (E) residue at codon 3183. Based on data from gnomAD, this in-frame deletion has an overall frequency of 0.001% (2/189046) total alleles studied. The highest observed frequency was 0.003% (2/76414) of European (non-Finnish) alleles. This amino acid position is highly conserved in available vertebrate species. This alteration is predicted to be neutral by in silico analysis (Choi, 2012). Based on insufficient or conflicting evidence, the clinical significance of this alteration remains unclear.